The following is an entry in ClinVar:

NM_206933.4(USH2A):c.12612= (p.Thr4204=)

Gene: USH2A (usherin; minus strand). Cytogenetic location: 1q41.
Variant type: single nucleotide variant.
Coding change: c.12612= on transcript NM_206933.4 (MANE Select); coding-DNA position 12612, no change from the reference sequence.
Protein change: p.Thr4204=; no amino-acid change (threonine 4204 retained).
Molecular consequence: no sequence alteration.
Genome position: GRCh38 VCF-style: chr1-215675299-T-T. GRCh37 (hg19) VCF-style: chr1-215848641-T-T.
Other names: p.T4204T:ACG>ACA.
Identifiers: ClinVar variation 137898 (VCV000137898.16), dbSNP rs2797235.

ClinVar aggregate classification (germline): Benign. Review status: criteria provided, multiple submitters, no conflicts (2 of 4 stars). 3 submissions from 3 submitters: Benign (3). Last evaluated 2026-02-04.

Allele frequency attached by ClinVar (database versions not stated): gnomAD 0.25079 and 0.25371; TOPMed 0.25281; 1000 Genomes Project 30x 0.30809; 1000 Genomes Project 0.31030; ExAC 0.23382; gnomAD exomes 0.20776 and 0.23315; ESP Exome Variant Server 0.24558.

Submissions (3):

Labcorp Genetics (formerly Invitae), Labcorp
Classification: Benign. Last evaluated: 2026-02-04. Review status: criteria provided, single submitter. Criteria: Invitae Variant Classification Sherloc (09022015). Collection method: clinical testing. Allele origin: germline.

GeneDx
Classification: Benign. Last evaluated: 2011-07-13. Review status: criteria provided, single submitter. Criteria: GeneDx Variant Classification (06012015). Collection method: clinical testing. Allele origin: germline. Affected: yes.
Comment: This variant is considered likely benign or benign based on one or more of the following criteria: it is a conservative change, it occurs at a poorly conserved position in the protein, it is predicted to be benign by multiple in silico algorithms, and/or has population frequency not consistent with disease.

Laboratory for Molecular Medicine, Mass General Brigham Personalized Medicine
Classification: Benign. Last evaluated: 2008-02-19. Review status: criteria provided, single submitter. Criteria: LMM Criteria. Collection method: clinical testing. Allele origin: germline. Observed: 130 variant alleles.